The following is an entry in ClinVar:

ClinVar aggregate classification (germline): Uncertain significance (1 of 4 stars; one submission).

Submission:

Labcorp Genetics (formerly Invitae), Labcorp
Classification: Uncertain significance. Last evaluated: 2025-10-28. Review status: criteria provided, single submitter. Criteria: Invitae Variant Classification Sherloc (09022015). Collection method: clinical testing. Allele origin: germline.
Comment: This sequence change replaces proline, which is neutral and non-polar, with serine, which is neutral and polar, at codon 967 of the LRP5 protein (p.Pro967Ser). This variant is not present in population databases (gnomAD no frequency). This variant has not been reported in the literature in individuals affected with LRP5-related conditions. Invitae Evidence Modeling of protein sequence and biophysical properties (such as structural, functional, and spatial information, amino acid conservation, physicochemical variation, residue mobility, and thermodynamic stability) has been performed for this missense variant. However, the output from this modeling did not meet the statistical confidence thresholds required to predict the impact of this variant on LRP5 protein function. In summary, the available evidence is currently insufficient to determine the role of this variant in disease. Therefore, it has been classified as a Variant of Uncertain Significance.

NM_002335.4(LRP5):c.2899C>T (p.Pro967Ser)

Gene: LRP5 (LDL receptor related protein 5; plus strand). Cytogenetic location: 11q13.2.
Variant type: single nucleotide variant.
Coding change: c.2899C>T on transcript NM_002335.4 (MANE Select); coding-DNA position 2899, C replaced by T.
Protein change: p.Pro967Ser; replaces proline 967 with serine.
Molecular consequence: missense variant.
Genome position (GRCh38, 1-based): chr11:68,416,399, C>T. VCF-style: chr11-68416399-C-T. GRCh37 (hg19) VCF-style: chr11-68183867-C-T.
Other names: c.1156C>T, p.Pro386Ser (NM_001291902.2); short protein forms P386S, P967S.
Identifiers: ClinVar variation 4800458 (VCV004800458.1).